The following is an entry in ClinVar:

ClinVar aggregate classification (germline): Uncertain significance (1 of 4 stars; one submission).

Allele frequency attached by ClinVar (database versions not stated): gnomAD exomes below 0.00001.
gnomAD v4.1: 3 of 1,613,426 alleles (0.00019%); highest among the groups gnomAD compares: Non-Finnish European, 0.00025%; no homozygotes.

Submission:

Labcorp Genetics (formerly Invitae), Labcorp
Classification: Uncertain significance. Last evaluated: 2022-12-29. Review status: criteria provided, single submitter. Criteria: Invitae Variant Classification Sherloc (09022015). Collection method: clinical testing. Allele origin: germline.
Comment: Algorithms developed to predict the effect of sequence changes on RNA splicing suggest that this variant may create or strengthen a splice site. This variant has not been reported in the literature in individuals affected with AUTS2-related conditions. This variant is not present in population databases (gnomAD no frequency). This sequence change falls in intron 15 of the AUTS2 gene. It does not directly change the encoded amino acid sequence of the AUTS2 protein. In summary, the available evidence is currently insufficient to determine the role of this variant in disease. Therefore, it has been classified as a Variant of Uncertain Significance.

NM_015570.4(AUTS2):c.2146+7G>A

Gene: AUTS2 (activator of transcription and developmental regulator AUTS2; plus strand). Cytogenetic location: 7q11.22.
Variant type: single nucleotide variant.
Coding change: c.2146+7G>A on transcript NM_015570.4 (MANE Select); 7 bases into the intron after coding-DNA position 2146, G replaced by A.
Molecular consequence: intron variant.
Genome position (GRCh38, 1-based): chr7:70,781,763, G>A. VCF-style: chr7-70781763-G-A. GRCh37 (hg19) VCF-style: chr7-70246749-G-A.
Other names: c.2074+7G>A (NM_001127231.3).
Identifiers: ClinVar variation 2891863 (VCV002891863.3), dbSNP rs1563195649, ClinGen allele CA1716154131.